The following is an entry in ClinVar:

ClinVar aggregate classification (germline): Uncertain significance (1 of 4 stars; one submission).

Submission:

Labcorp Genetics (formerly Invitae), Labcorp
Classification: Uncertain significance. Last evaluated: 2021-12-01. Review status: criteria provided, single submitter. Criteria: Invitae Variant Classification Sherloc (09022015). Collection method: clinical testing. Allele origin: germline.
Comment: This sequence change replaces alanine, which is neutral and non-polar, with valine, which is neutral and non-polar, at codon 1038 of the GRIN2D protein (p.Ala1038Val). The frequency data for this variant in the population databases is considered unreliable, as metrics indicate insufficient coverage at this position in the gnomAD database. This variant has not been reported in the literature in individuals affected with GRIN2D-related conditions. Advanced modeling of protein sequence and biophysical properties (such as structural, functional, and spatial information, amino acid conservation, physicochemical variation, residue mobility, and thermodynamic stability) performed at Invitae indicates that this missense variant is not expected to disrupt GRIN2D protein function. In summary, the available evidence is currently insufficient to determine the role of this variant in disease. Therefore, it has been classified as a Variant of Uncertain Significance.

NM_000836.4(GRIN2D):c.3113C>T (p.Ala1038Val)

Gene: GRIN2D (glutamate ionotropic receptor NMDA type subunit 2D; plus strand). Cytogenetic location: 19q13.33.
Variant type: single nucleotide variant.
Coding change: c.3113C>T on transcript NM_000836.4 (MANE Select); coding-DNA position 3113, C replaced by T.
Protein change: p.Ala1038Val; replaces alanine 1038 with valine.
Molecular consequence: missense variant.
Genome position (GRCh38, 1-based): chr19:48,443,039, C>T. VCF-style: chr19-48443039-C-T. GRCh37 (hg19) VCF-style: chr19-48946296-C-T.
Other names: short protein forms A1038V.
Identifiers: ClinVar variation 1492023 (VCV001492023.6), dbSNP rs768439161, ClinGen allele CA406674902.